The following is an entry in ClinVar:

ClinVar aggregate classification (germline): Likely benign. Review status: criteria provided, multiple submitters, no conflicts (2 of 4 stars). 2 submissions from 2 submitters: Likely benign (2). Last evaluated 2025-08-13.

Allele frequency attached by ClinVar (database versions not stated): TOPMed 0.00009.
gnomAD v4.1: 49 of 1,550,598 alleles (0.0032%); highest among the groups gnomAD compares: Admixed American, 0.092%; 1 homozygote.

Submissions (2):

Mayo Clinic Laboratories, Mayo Clinic
Classification: Likely benign. Last evaluated: 2025-08-13. Review status: criteria provided, single submitter. Criteria: ACMG Guidelines, 2015. Collection method: clinical testing. Allele origin: germline. Observed: 1 variant allele.
Comment: BP4, BP7

Labcorp Genetics (formerly Invitae), Labcorp
Classification: Likely benign. Last evaluated: 2018-06-05. Review status: criteria provided, single submitter. Criteria: Invitae Variant Classification Sherloc (09022015). Collection method: clinical testing. Allele origin: germline.

NM_001163809.2(WDR81):c.2799C>G (p.Ser933=)

Gene: WDR81 (WD repeat domain 81; plus strand). Cytogenetic location: 17p13.3.
Variant type: single nucleotide variant.
Coding change: c.2799C>G on transcript NM_001163809.2 (MANE Select); coding-DNA position 2799, C replaced by G.
Protein change: p.Ser933=; no amino-acid change (serine 933 retained).
Molecular consequence: synonymous variant. On other transcripts: intron variant (3).
Genome position (GRCh38, 1-based): chr17:1,727,758, C>G. VCF-style: chr17-1727758-C-G. GRCh37 (hg19) VCF-style: chr17-1631052-C-G.
Other names: p.Ser933=; c.-123-232C>G (NM_152348.4); c.59-2622C>G (NM_001163673.2); c.-14-2622C>G (NM_001163811.2).
Identifiers: ClinVar variation 748857 (VCV000748857.4), dbSNP rs547605605, ClinGen allele CA497394504.